The following is an entry in ClinVar:

NM_032119.4(ADGRV1):c.17283_17284delinsTT (p.Lys5762Ter)

Gene: ADGRV1 (adhesion G protein-coupled receptor V1; plus strand). Cytogenetic location: 5q14.3.
Variant type: Indel.
Coding change: c.17283_17284delinsTT on transcript NM_032119.4 (MANE Select); coding-DNA positions 17283 to 17284, CA replaced by TT.
Protein change: p.Lys5762Ter; replaces lysine 5762 with a stop codon.
Molecular consequence: nonsense. On other transcripts: non-coding transcript variant (1).
Genome position (GRCh38, 1-based): chr5:90,853,362-90,853,363, CA replaced by TT. VCF-style: chr5-90853362-CA-TT. GRCh37 (hg19) VCF-style: chr5-90149179-CA-TT.
Other names: short protein forms K5762*.
Identifiers: ClinVar variation 2018230 (VCV002018230.4), dbSNP rs2532541835, ClinGen allele CA2580073766.
Genomic context (GRCh38, chr5:90,853,362, plus strand): 5'-TAGTTGCCCATATTTGTCAATATTGGCTCTTCACTGGTATCCTCAGCAAATCAATGGACA[CA>TT]AGTTTGAAGGAAAGGAAGGAGATTACATTCGAATTCCAGAGAGGCTACTGGATGTCCAGG-3'

ClinVar aggregate classification (germline): Pathogenic (1 of 4 stars; one submission).

Submission:

Labcorp Genetics (formerly Invitae), Labcorp
Classification: Pathogenic. Last evaluated: 2022-07-19. Review status: criteria provided, single submitter. Criteria: Invitae Variant Classification Sherloc (09022015). Collection method: clinical testing. Allele origin: germline.
Comment: For these reasons, this variant has been classified as Pathogenic. This variant has not been reported in the literature in individuals affected with ADGRV1-related conditions. Information on the frequency of this variant in the gnomAD database is not available, as this variant may be reported differently in the database. This sequence change creates a premature translational stop signal (p.Lys5762*) in the ADGRV1 gene. It is expected to result in an absent or disrupted protein product. Loss-of-function variants in ADGRV1 are known to be pathogenic (PMID: 19357117, 22135276, 22147658, 26226137, 30718709, 31047384, 32467589).

Literature cited by the submitters: PubMed 19357117; PubMed 22135276; PubMed 22147658; PubMed 26226137; PubMed 30718709; PubMed 31047384; PubMed 32467589.